The following is an entry in ClinVar:

NM_014208.3(DSPP):c.1577G>A (p.Ser526Asn)

Genes: DMP1-AS1 (DMP1 and DSPP antisense RNA 1; minus strand), DSPP (dentin sialophosphoprotein; plus strand). Cytogenetic location: 4q22.1.
Variant type: single nucleotide variant.
Coding change: c.1577G>A on transcript NM_014208.3 (MANE Select); coding-DNA position 1577, G replaced by A.
Protein change: p.Ser526Asn; replaces serine 526 with asparagine.
Molecular consequence: missense variant.
Genome position (GRCh38, 1-based): chr4:87,614,239, G>A. VCF-style: chr4-87614239-G-A. GRCh37 (hg19) VCF-style: chr4-88535391-G-A.
Other names: short protein forms S526N.
Identifiers: ClinVar variation 2576693 (VCV002576693.3), dbSNP rs201485801, ClinGen allele CA3001128.

ClinVar aggregate classification (germline): Conflicting classifications of pathogenicity. Review status: criteria provided, conflicting classifications (1 of 4 stars). 3 submissions from 3 submitters: Uncertain significance (2); Likely benign (1). Last evaluated 2025-08-26.

Conditions:
DSPP-related disorder. Also called: DSPP-related condition.
Inborn genetic diseases. Identifiers: MedGen C0950123, MeSH D030342.

Allele frequency attached by ClinVar (database versions not stated): TOPMed 0.00001; gnomAD exomes 0.00003; gnomAD 0.00005; ExAC 0.00006; 1000 Genomes Project 30x 0.00047; 1000 Genomes Project 0.00060.
gnomAD v4.1: 59 of 1,614,256 alleles (0.0037%); highest among the groups gnomAD compares: East Asian, 0.056%; no homozygotes.

Submissions (3):

Ambry Genetics
Classification: Uncertain significance for Inborn genetic diseases. Last evaluated: 2025-08-26. Review status: criteria provided, single submitter. Criteria: Ambry Variant Classification Scheme 2023. Collection method: clinical testing. Allele origin: germline.

PreventionGenetics, part of Exact Sciences
Classification: Likely benign for DSPP-related condition. Last evaluated: 2024-12-23. Review status: criteria provided, single submitter. Criteria: ACMG Guidelines, 2015. Collection method: clinical testing. Allele origin: germline.
Comment: This variant is classified as likely benign based on ACMG/AMP sequence variant interpretation guidelines (Richards et al. 2015 PMID: 25741868, with internal and published modifications).

GeneDx
Classification: Uncertain significance. Last evaluated: 2023-02-16. Review status: criteria provided, single submitter. Criteria: GeneDx Variant Classification Process June 2021. Collection method: clinical testing. Allele origin: germline. Affected: yes.
Comment: In silico analysis supports that this missense variant does not alter protein structure/function; Has not been previously published as pathogenic or benign to our knowledge